The following is an entry in ClinVar:

ClinVar aggregate classification (germline): Uncertain significance. Review status: criteria provided, multiple submitters, no conflicts (2 of 4 stars). 2 submissions from 2 submitters: Uncertain significance (2). Last evaluated 2023-12-11.

Submissions (2):

Labcorp Genetics (formerly Invitae), Labcorp
Classification: Uncertain significance. Last evaluated: 2023-12-11. Review status: criteria provided, single submitter. Criteria: Invitae Variant Classification Sherloc (09022015). Collection method: clinical testing. Allele origin: germline.
Comment: This sequence change replaces valine, which is neutral and non-polar, with methionine, which is neutral and non-polar, at codon 63 of the ZC4H2 protein (p.Val63Met). This variant is not present in population databases (gnomAD no frequency). This variant has not been reported in the literature in individuals affected with ZC4H2-related conditions. An algorithm developed to predict the effect of missense changes on protein structure and function (PolyPhen-2) suggests that this variant is likely to be disruptive. This variant disrupts the p.Val63 amino acid residue in ZC4H2. Other variant(s) that disrupt this residue have been determined to be pathogenic (PMID: 23623388). This suggests that this residue is clinically significant, and that variants that disrupt this residue are likely to be disease-causing. In summary, the available evidence is currently insufficient to determine the role of this variant in disease. Therefore, it has been classified as a Variant of Uncertain Significance.

GeneDx
Classification: Uncertain significance. Last evaluated: 2023-06-01. Review status: criteria provided, single submitter. Criteria: GeneDx Variant Classification Process June 2021. Collection method: clinical testing. Allele origin: germline. Affected: yes.
Comment: Not observed at significant frequency in large population cohorts (gnomAD); In silico analysis supports that this missense variant does not alter protein structure/function; Has not been previously published as pathogenic or benign to our knowledge

Literature cited by the submitters: PubMed 23623388 (cited by Labcorp Genetics (formerly Invitae), Labcorp).

NM_018684.4(ZC4H2):c.187G>A (p.Val63Met)

Gene: ZC4H2 (zinc finger C4H2-type containing; minus strand). Cytogenetic location: Xq11.2.
Variant type: single nucleotide variant.
Coding change: c.187G>A on transcript NM_018684.4 (MANE Select); coding-DNA position 187, G replaced by A.
Protein change: p.Val63Met; replaces valine 63 with methionine.
Molecular consequence: missense variant. On other transcripts: non-coding transcript variant (1).
Genome position (GRCh38, 1-based): chrX:64,921,855, C>T on the plus strand (G>A on the coding strand, the complement: ZC4H2 is on the minus strand). VCF-style: chrX-64921855-C-T. GRCh37 (hg19) VCF-style: chrX-64141735-C-T.
Other names: c.187G>A (NM_018684.3); c.118G>A, p.Val40Met (NM_001178032.3, NM_001243804.2); c.187G>A, p.Val63Met (NM_001178033.3); short protein forms V40M, V63M.
Identifiers: ClinVar variation 2853868 (VCV002853868.4), dbSNP rs398122938, ClinGen allele CA413412175.
Genomic context (GRCh38, chrX:64,921,855, plus strand): 5'-TAGGCTCCAGGCAGCCACGTACCACATTGATGTCAGCGTGGATCAGTCGGAGTTCCTCCA[C>T]ATGGGCCATCTTCTCCTGTAGCAGAAGGTCCATCTCCTGCTTGTATTCCTTCAGGTGCCT-3'
Protein context (NP_061154.1, residues 53-73): DLLLQEKMAH[Val63Met]EELRLIHADI